The following is an entry in ClinVar:

ClinVar aggregate classification (germline): Uncertain significance (1 of 4 stars; one submission).

Allele frequency attached by ClinVar (database versions not stated): gnomAD exomes 0.00001; TOPMed 0.00003; gnomAD 0.00001.

Submission:

Greenwood Genetic Center Diagnostic Laboratories, Greenwood Genetic Center
Classification: Uncertain significance. Last evaluated: 2021-04-08. Review status: criteria provided, single submitter. Criteria: ACMG Guidelines, 2015. Collection method: clinical testing. Allele origin: germline. Affected: yes.
Comment: PM2

NM_002968.3(SALL1):c.373A>G (p.Met125Val)

Gene: SALL1 (spalt like transcription factor 1; minus strand). Cytogenetic location: 16q12.1.
Variant type: single nucleotide variant.
Coding change: c.373A>G on transcript NM_002968.3 (MANE Select); coding-DNA position 373, A replaced by G.
Protein change: p.Met125Val; replaces methionine 125 with valine.
Molecular consequence: missense variant.
Genome position (GRCh38, 1-based): chr16:51,141,849, T>C on the plus strand (A>G on the coding strand, the complement: SALL1 is on the minus strand). VCF-style: chr16-51141849-T-C. GRCh37 (hg19) VCF-style: chr16-51175760-T-C.
Other names: c.82A>G, p.Met28Val (NM_001127892.2); short protein forms M125V, M28V.
Identifiers: ClinVar variation 1334550 (VCV001334550.4), dbSNP rs1017987206, ClinGen allele CA281303207.